The following is an entry in ClinVar:

NM_003072.5(SMARCA4):c.4001A>G (p.Lys1334Arg)

Gene: SMARCA4 (SWI/SNF related BAF chromatin remodeling complex subunit ATPase 4; plus strand). Cytogenetic location: 19p13.2.
Variant type: single nucleotide variant.
Coding change: c.4001A>G on transcript NM_003072.5 (MANE Select); coding-DNA position 4001, A replaced by G.
Protein change: p.Lys1334Arg; replaces lysine 1334 with arginine.
Molecular consequence: missense variant. On other transcripts: non-coding transcript variant (1).
Genome position (GRCh38, 1-based): chr19:11,034,963, A>G. VCF-style: chr19-11034963-A-G. GRCh37 (hg19) VCF-style: chr19-11145639-A-G.
Other names: c.4001A>G, p.Lys1334Arg (NM_001128844.3, NM_001128849.3, NM_001387283.1); c.3902A>G, p.Lys1301Arg (NM_001128845.2, NM_001128846.2, NM_001128847.4 and 2 more transcripts); c.4001A>G (NM_001128849.1); short protein forms K1301R, K1334R.
Identifiers: ClinVar variation 1476828 (VCV001476828.10), dbSNP rs2075177811, ClinGen allele CA404068087.

ClinVar aggregate classification (germline): Uncertain significance. Review status: criteria provided, multiple submitters, no conflicts (2 of 4 stars). 2 submissions from 2 submitters: Uncertain significance (2). Last evaluated 2026-01-12.

Conditions:
Hereditary cancer-predisposing syndrome. Also called: Neoplastic Syndromes, Hereditary; Hereditary Cancer Syndrome; Tumor predisposition; Hereditary neoplastic syndrome. Identifiers: Orphanet 140162, MedGen C0027672, MeSH D009386, MONDO:0015356.
Rhabdoid tumor predisposition syndrome 2 (RTPS2). Identifiers: Orphanet 231108, Orphanet 69077, MedGen C2750074, MONDO:0013224, OMIM 613325.

Allele frequency attached by ClinVar (database versions not stated): TOPMed below 0.00001.

Submissions (2):

Labcorp Genetics (formerly Invitae), Labcorp
Classification: Uncertain significance for Rhabdoid tumor predisposition syndrome 2. Last evaluated: 2026-01-12. Review status: criteria provided, single submitter. Criteria: Invitae Variant Classification Sherloc (09022015). Collection method: clinical testing. Allele origin: germline.
Comment: This sequence change replaces lysine, which is basic and polar, with arginine, which is basic and polar, at codon 1334 of the SMARCA4 protein (p.Lys1334Arg). This variant is not present in population databases (gnomAD no frequency). This variant has not been reported in the literature in individuals affected with SMARCA4-related conditions. ClinVar contains an entry for this variant (Variation ID: 1476828). Invitae Evidence Modeling of protein sequence and biophysical properties (such as structural, functional, and spatial information, amino acid conservation, physicochemical variation, residue mobility, and thermodynamic stability) indicates that this missense variant is not expected to disrupt SMARCA4 protein function with a negative predictive value of 80%. In summary, the available evidence is currently insufficient to determine the role of this variant in disease. Therefore, it has been classified as a Variant of Uncertain Significance.

Ambry Genetics
Classification: Uncertain significance for Hereditary cancer-predisposing syndrome. Last evaluated: 2025-05-13. Review status: criteria provided, single submitter. Criteria: Ambry Variant Classification Scheme 2023. Collection method: clinical testing. Allele origin: germline.
Comment: The p.K1334R variant (also known as c.4001A>G), located in coding exon 28 of the SMARCA4 gene, results from an A to G substitution at nucleotide position 4001. The lysine at codon 1334 is replaced by arginine, an amino acid with highly similar properties. This amino acid position is well conserved in available vertebrate species. In addition, this alteration is predicted to be tolerated by in silico analysis. Based on the available evidence, the clinical significance of this alteration remains unclear.